The following is an entry in ClinVar:

ClinVar aggregate classification (germline): Likely benign. Review status: criteria provided, multiple submitters, no conflicts (2 of 4 stars). 4 submissions from 4 submitters: Likely benign (3). 1 of the submissions does not count toward it. Last evaluated 2023-02-28.

Conditions:
KIF1B-related disorder. Also called: KIF1B-related condition.
Charcot-Marie-Tooth disease type 2. Also called: Charcot-Marie-Tooth type 2. Identifiers: Orphanet 64746, MedGen C0270914, MONDO:0018993.
Charcot-Marie-Tooth disease. Also called: Charcot-Marie-Tooth Hereditary Neuropathy; Charcot-Marie-Tooth Neuropathy. Identifiers: Orphanet 166, MedGen C0007959, MONDO:0015626.

Allele frequency attached by ClinVar (database versions not stated): gnomAD exomes below 0.00001; TOPMed below 0.00001.
gnomAD v4.1: 4 of 1,614,068 alleles (0.00025%); highest among the groups gnomAD compares: Admixed American, 0.0033%; no homozygotes.

Submissions (4):

Ambry Genetics
Classification: Likely benign. Last evaluated: 2023-02-28. Review status: criteria provided, single submitter. Criteria: Ambry Variant Classification Scheme 2023. Collection method: clinical testing. Allele origin: germline.

Labcorp Genetics (formerly Invitae), Labcorp
Classification: Likely benign for Charcot-Marie-Tooth disease type 2. Last evaluated: 2021-11-05. Review status: criteria provided, single submitter. Criteria: Invitae Variant Classification Sherloc (09022015). Collection method: clinical testing. Allele origin: germline.

Molecular Genetics Laboratory, London Health Sciences Centre
Classification: Likely benign for Charcot-Marie-Tooth disease. Review status: criteria provided, single submitter. Criteria: ACMG Guidelines, 2015. Collection method: clinical testing. Allele origin: germline. Affected: yes.

PreventionGenetics, part of Exact Sciences
Classification: Likely benign for KIF1B-related condition. Last evaluated: 2022-08-26. Review status: no assertion criteria provided. Collection method: clinical testing. Allele origin: germline. Not counted in ClinVar's aggregate classification.
Comment: This variant is classified as likely benign based on ACMG/AMP sequence variant interpretation guidelines (Richards et al. 2015 PMID: 25741868, with internal and published modifications).

NM_001365951.3(KIF1B):c.1968T>C (p.Pro656=)

Gene: KIF1B (kinesin family member 1B; plus strand). Cytogenetic location: 1p36.22.
Variant type: single nucleotide variant.
Coding change: c.1968T>C on transcript NM_001365951.3 (MANE Select); coding-DNA position 1968, T replaced by C.
Protein change: p.Pro656=; no amino-acid change (proline 656 retained).
Molecular consequence: synonymous variant.
Genome position (GRCh38, 1-based): chr1:10,297,003, T>C. VCF-style: chr1-10297003-T-C. GRCh37 (hg19) VCF-style: chr1-10357061-T-C.
Other names: c.1968T>C, p.Pro656= (NM_001365952.1); c.1830T>C, p.Pro610= (NM_001365953.1, NM_015074.3, NM_183416.4).
Identifiers: ClinVar variation 916751 (VCV000916751.12), dbSNP rs1332046524, ClinGen allele CA416034199.